The following is an entry in ClinVar:

NM_021830.5(TWNK):c.1980G>A (p.Thr660=)

Gene: TWNK (twinkle mtDNA helicase; plus strand). Cytogenetic location: 10q24.31.
Variant type: single nucleotide variant.
Coding change: c.1980G>A on transcript NM_021830.5 (MANE Select); coding-DNA position 1980, G replaced by A.
Protein change: p.Thr660=; no amino-acid change (threonine 660 retained).
Molecular consequence: synonymous variant. On other transcripts: 3 prime UTR variant (2), non-coding transcript variant (5).
Genome position (GRCh38, 1-based): chr10:100,993,435, G>A. VCF-style: chr10-100993435-G-A. GRCh37 (hg19) VCF-style: chr10-102753192-G-A.
Other names: c.1980G>A (NM_021830.4); c.*275G>A (NM_001163812.2, NM_001163814.2); c.618G>A, p.Thr206= (NM_001163813.2, NM_001368275.1).
Identifiers: ClinVar variation 1562075 (VCV001562075.12), dbSNP rs139162317, ClinGen allele CA5653378.

ClinVar aggregate classification (germline): Likely benign. Review status: criteria provided, multiple submitters, no conflicts (2 of 4 stars). 3 submissions from 3 submitters: Likely benign (2). 1 of the submissions does not count toward it. Last evaluated 2025-07-20.

Conditions:
TWNK-related disorder. Also called: TWNK-related condition.

Allele frequency attached by ClinVar (database versions not stated): gnomAD 0.00001; ExAC 0.00002; gnomAD exomes 0.00002; TOPMed 0.00002; ESP Exome Variant Server 0.00008.
gnomAD v4.1: 26 of 1,614,174 alleles (0.0016%); highest among the groups gnomAD compares: Middle Eastern, 0.016%; no homozygotes.

Submissions (3):

Labcorp Genetics (formerly Invitae), Labcorp
Classification: Likely benign. Last evaluated: 2025-07-20. Review status: criteria provided, single submitter. Criteria: Invitae Variant Classification Sherloc (09022015). Collection method: clinical testing. Allele origin: germline.

Blueprint Genetics
Classification: Likely benign. Last evaluated: 2023-12-29. Review status: criteria provided, single submitter. Criteria: ACMG Guidelines, 2015. Collection method: clinical testing. Allele origin: germline.

PreventionGenetics, part of Exact Sciences
Classification: Likely benign for TWNK-related condition. Last evaluated: 2019-03-11. Review status: no assertion criteria provided. Collection method: clinical testing. Allele origin: germline. Not counted in ClinVar's aggregate classification.
Comment: This variant is classified as likely benign based on ACMG/AMP sequence variant interpretation guidelines (Richards et al. 2015 PMID: 25741868, with internal and published modifications).